The following is an entry in ClinVar:

NM_004183.4(BEST1):c.86_89dup (p.Leu31fs)

Gene: BEST1 (bestrophin 1; plus strand). Cytogenetic location: 11q12.3.
Variant type: Duplication.
Coding change: c.86_89dup on transcript NM_004183.4 (MANE Select); coding-DNA positions 86 to 89, 4 bases duplicated (ACAA; older notation c.86_89dupACAA).
Protein change: p.Leu31fs; shifts the reading frame from leucine 31.
Molecular consequence: frameshift variant. On other transcripts: non-coding transcript variant (1), intron variant (6).
Genome position (GRCh38, 1-based): chr11:61,951,892-61,951,895, ACAA duplicated. VCF-style (leftmost placement, unchanged base first): chr11-61951891-T-TACAA. GRCh37 (hg19) VCF-style: chr11-61719363-T-TACAA.
Other names: c.86_89dup, p.Leu31fs (NM_001363592.2, NM_001440571.1, NM_001440572.1 and 1 more transcripts); c.-29+1465_-29+1468dup (NM_001139443.3, NM_001300787.2, NM_001440574.1 and 3 more transcripts); short protein forms L31fs.
Identifiers: ClinVar variation 2710700 (VCV002710700.3), dbSNP rs2541332425, ClinGen allele CA2697548600.

ClinVar aggregate classification (germline): Pathogenic (1 of 4 stars; one submission).

Submission:

Labcorp Genetics (formerly Invitae), Labcorp
Classification: Pathogenic. Last evaluated: 2024-01-21. Review status: criteria provided, single submitter. Criteria: Invitae Variant Classification Sherloc (09022015). Collection method: clinical testing. Allele origin: germline.
Comment: This sequence change creates a premature translational stop signal (p.Leu31Glnfs*22) in the BEST1 gene. It is expected to result in an absent or disrupted protein product. Loss-of-function variants in BEST1 are known to be pathogenic (PMID: 21825197). This variant is not present in population databases (gnomAD no frequency). This variant has not been reported in the literature in individuals affected with BEST1-related conditions. For these reasons, this variant has been classified as Pathogenic.

Literature cited by the submitters: PubMed 21825197.